The following is an entry in ClinVar:

NM_001379403.1(WDR26):c.1411G>C (p.Ala471Pro)

Gene: WDR26 (WD repeat domain 26; minus strand). Cytogenetic location: 1q42.12.
Variant type: single nucleotide variant.
Coding change: c.1411G>C on transcript NM_001379403.1 (MANE Select); coding-DNA position 1411, G replaced by C.
Protein change: p.Ala471Pro; replaces alanine 471 with proline.
Molecular consequence: missense variant.
Genome position (GRCh38, 1-based): chr1:224,411,474, C>G on the plus strand (G>C on the coding strand, the complement: WDR26 is on the minus strand). VCF-style: chr1-224411474-C-G. GRCh37 (hg19) VCF-style: chr1-224599176-C-G.
Other names: c.1063G>C, p.Ala355Pro (NM_001115113.3); c.1111G>C, p.Ala371Pro (NM_025160.7); short protein forms A355P, A371P, A471P.
Identifiers: ClinVar variation 1251935 (VCV001251935.1), dbSNP rs2102905325, ClinGen allele CA344749355.

ClinVar aggregate classification (germline): Likely pathogenic (1 of 4 stars; one submission).

Conditions:
Skraban-Deardorff syndrome. Also called: WDR26-Related Intellectual Disability; INTELLECTUAL DISABILITY WITH SEIZURES, ABNORMAL GAIT, AND DISTINCTIVE FACIAL FEATURES. Identifiers: Orphanet 513456, MedGen C4539927, MONDO:0054636, OMIM 617616.

Submission:

HudsonAlpha Institute for Biotechnology
Classification: Likely pathogenic for Skraban-Deardorff syndrome. Last evaluated: 2021-03-12. Review status: criteria provided, single submitter. Criteria: ACMG Guidelines, 2015. Collection method: research. Allele origin: de novo. Affected: yes. Observed: 1 variant allele. Study: HudsonAlpha-AGHI-WGS.
Comment: ACMG codes:PS2, PM2, PP3